The following is an entry in ClinVar:

NM_002487.3(NDN):c.472dup (p.Thr158fs)

Gene: NDN (necdin, MAGE family member; minus strand). Cytogenetic location: 15q11.2.
Variant type: Duplication.
Coding change: c.472dup on transcript NM_002487.3 (MANE Select); coding-DNA position 472, one base duplicated (A; older notation c.472dupA).
Protein change: p.Thr158fs; shifts the reading frame from threonine 158.
Molecular consequence: frameshift variant.
Genome position (GRCh38, 1-based): chr15:23,686,746, T duplicated on the plus strand (A on the coding strand, the reverse complement: NDN is on the minus strand); the first of 2 consecutive T bases (chr15:23,686,746-23,686,747); duplicating either gives the same sequence. VCF-style (leftmost placement, unchanged base first): chr15-23686745-G-GT. GRCh37 (hg19) VCF-style: chr15-23931892-G-GT.
Other names: short protein forms T158fs.
Identifiers: ClinVar variation 930829 (VCV000930829.3), dbSNP rs1891151702, ClinGen allele CA1139663776.

ClinVar aggregate classification (germline): Uncertain significance (1 of 4 stars; one submission).

Conditions:
Prader-Willi syndrome (PWS). Identifiers: Orphanet 739, MedGen C0032897, MONDO:0008300, OMIM 176270. Disease mechanism: loss of function, Microdeletion. Inheritance: Microdletion.

Submission:

Centre for Mendelian Genomics, University Medical Centre Ljubljana
Classification: Uncertain significance for Prader-Willi syndrome. Last evaluated: 2018-10-17. Review status: criteria provided, single submitter. Criteria: ACMG Guidelines, 2015. Collection method: clinical testing. Allele origin: unknown. Affected: yes.
Comment: This variant was classified as: Uncertain significance. The available evidence on this variant's pathogenicity is insufficient or conflicting. The following ACMG criteria were applied in classifying this variant: PM2.